The following is an entry in ClinVar:

ClinVar aggregate classification (germline): Likely pathogenic (1 of 4 stars; one submission).

Conditions:
TWIST1-related craniosynostosis (CRS1). Also called: CRANIOSYNOSTOSIS 1. Identifiers: Orphanet 63440, MedGen C4551902, MONDO:0007399, OMIM 123100. Inheritance: Heterogenous inheritance pattern.

Submission:

Institute of Human Genetics, University of Leipzig Medical Center
Classification: Likely pathogenic for TWIST1-related craniosynostosis. Last evaluated: 2026-05-21. Review status: criteria provided, single submitter. Criteria: ACMG Guidelines, 2015. Collection method: clinical testing. Allele origin: maternal. Inheritance: Autosomal dominant inheritance. Affected: yes.
Comment: Criteria applied: PM1,PM2,PP3,PP4

NM_000474.4(TWIST1):c.325C>G (p.Gln109Glu)

Gene: TWIST1 (twist family bHLH transcription factor 1; minus strand). Cytogenetic location: 7p21.1.
Variant type: single nucleotide variant.
Coding change: c.325C>G on transcript NM_000474.4 (MANE Select); coding-DNA position 325, C replaced by G.
Protein change: p.Gln109Glu; replaces glutamine 109 with glutamic acid.
Molecular consequence: missense variant. On other transcripts: non-coding transcript variant (1).
Genome position (GRCh38, 1-based): chr7:19,116,997, G>C on the plus strand (C>G on the coding strand, the complement: TWIST1 is on the minus strand). VCF-style: chr7-19116997-G-C. GRCh37 (hg19) VCF-style: chr7-19156620-G-C.
Other names: short protein forms Q109E.
Identifiers: ClinVar variation 2627611 (VCV002627611.3), dbSNP rs2486049961, ClinGen allele CA367015680.